The following is an entry in ClinVar:

NM_177398.4(LMX1A):c.454C>T (p.Arg152Trp)

Gene: LMX1A (LIM homeobox transcription factor 1 alpha; minus strand). Cytogenetic location: 1q23.3.
Variant type: single nucleotide variant.
Coding change: c.454C>T on transcript NM_177398.4 (MANE Select); coding-DNA position 454, C replaced by T.
Protein change: p.Arg152Trp; replaces arginine 152 with tryptophan.
Molecular consequence: missense variant.
Genome position (GRCh38, 1-based): chr1:165,249,450, G>A on the plus strand (C>T on the coding strand, the complement: LMX1A is on the minus strand). VCF-style: chr1-165249450-G-A. GRCh37 (hg19) VCF-style: chr1-165218687-G-A.
Other names: c.454C>T, p.Arg152Trp (NM_001174069.2); c.454C>T (NM_177398.3); short protein forms R152W.
Identifiers: ClinVar variation 3351154 (VCV003351154.2).
Genomic context (GRCh38, chr1:165,249,450, plus strand): 5'-CCACCACCTGGCACTCACCTGAGTCTGAGGCTGCTGGGCTCACCAGGCTGAGCAGCTCCC[G>A]CTCCTTCTCATAGTCCCCTTTGCAGAGCAGCTGCCCCTCCTTCAGGACAAACTCATCACC-3'
Protein context (NP_796372.1, residues 142-162): LLCKGDYEKE[Arg152Trp]ELLSLVSPAA

ClinVar aggregate classification (germline): Uncertain significance. Review status: criteria provided, single submitter (1 of 4 stars). 2 submissions from 2 submitters: Uncertain significance (1). 1 of the submissions does not count toward it. Last evaluated 2024-11-10.

Conditions:
LMX1A-related disorder. Also called: LMX1A-related condition.

gnomAD v4.1: 44 of 1,613,936 alleles (0.0027%); highest among the groups gnomAD compares: South Asian, 0.0055%; no homozygotes.

Submissions (2):

Ambry Genetics
Classification: Uncertain significance. Last evaluated: 2024-11-10. Review status: criteria provided, single submitter. Criteria: Ambry Variant Classification Scheme 2023. Collection method: clinical testing. Allele origin: germline.

PreventionGenetics, part of Exact Sciences
Classification: Uncertain significance for LMX1A-related condition. Last evaluated: 2024-06-28. Review status: no assertion criteria provided. Collection method: clinical testing. Allele origin: germline. Not counted in ClinVar's aggregate classification.
Comment: The LMX1A c.454C>T variant is predicted to result in the amino acid substitution p.Arg152Trp. To our knowledge, this variant has not been reported in the literature. This variant is reported in 0.0065% of alleles in individuals of South Asian descent in gnomAD. At this time, the clinical significance of this variant is uncertain due to the absence of conclusive functional and genetic evidence.